The following is an entry in ClinVar:

ClinVar aggregate classification (germline): Likely benign (1 of 4 stars; one submission).

gnomAD v4.1: 32 of 1,613,708 alleles (0.002%); highest among the groups gnomAD compares: African/African-American, 0.0027%; no homozygotes.

Submission:

CeGaT Center for Human Genetics Tuebingen
Classification: Likely benign. Last evaluated: 2026-02-01. Review status: criteria provided, single submitter. Criteria: CeGaT Center For Human Genetics Tuebingen Variant Classification Criteria Version 2. Collection method: clinical testing. Allele origin: germline. Affected: yes. Observed: 1 variant allele.
Comment: HERC2: BP4, BP7

NM_004667.6(HERC2):c.5424C>T (p.Ser1808=)

Gene: HERC2 (HECT and RLD domain containing E3 ubiquitin protein ligase 2; minus strand). Cytogenetic location: 15q13.1.
Variant type: single nucleotide variant.
Coding change: c.5424C>T on transcript NM_004667.6 (MANE Select); coding-DNA position 5424, C replaced by T.
Protein change: p.Ser1808=; no amino-acid change (serine 1808 retained).
Molecular consequence: synonymous variant.
Genome position (GRCh38, 1-based): chr15:28,228,258, G>A on the plus strand (C>T on the coding strand, the complement: HERC2 is on the minus strand). VCF-style: chr15-28228258-G-A. GRCh37 (hg19) VCF-style: chr15-28473404-G-A.
Identifiers: ClinVar variation 4821333 (VCV004821333.4).